The following is an entry in ClinVar:

NM_000535.7(PMS2):c.1201G>C (p.Asp401His)

Gene: PMS2 (PMS1 homolog 2, mismatch repair system component; minus strand). Cytogenetic location: 7p22.1.
Variant type: single nucleotide variant.
Coding change: c.1201G>C on transcript NM_000535.7 (MANE Select); coding-DNA position 1201, G replaced by C.
Protein change: p.Asp401His; replaces aspartic acid 401 with histidine.
Molecular consequence: missense variant. On other transcripts: non-coding transcript variant (1).
Genome position (GRCh38, 1-based): chr7:5,987,564, C>G on the plus strand (G>C on the coding strand, the complement: PMS2 is on the minus strand). VCF-style: chr7-5987564-C-G. GRCh37 (hg19) VCF-style: chr7-6027195-C-G.
Other names: c.796G>C, p.Asp266His (NM_001322003.2, NM_001322004.2, NM_001322005.2 and 1 more transcripts); c.1045G>C, p.Asp349His (NM_001322006.2); c.883G>C, p.Asp295His (NM_001322007.2, NM_001322008.2); c.640G>C, p.Asp214His (NM_001322010.2); c.268G>C, p.Asp90His (NM_001322011.2, NM_001322012.2); c.628G>C, p.Asp210His (NM_001322013.2); c.1201G>C, p.Asp401His (NM_001322014.2); c.892G>C, p.Asp298His (NM_001322015.2); short protein forms D401H, D210H, D266H, D295H, D349H, D214H, D298H, D90H.
Identifiers: ClinVar variation 581395 (VCV000581395.19), dbSNP rs1284362486, ClinGen allele CA366742578.

ClinVar aggregate classification (germline): Conflicting classifications of pathogenicity. Review status: criteria provided, conflicting classifications (1 of 4 stars). 4 submissions from 4 submitters: Uncertain significance (3); Likely benign (1). Last evaluated 2025-07-07.

Conditions:
Hereditary cancer-predisposing syndrome. Also called: Neoplastic Syndromes, Hereditary; Tumor predisposition; Hereditary neoplastic syndrome; Hereditary Cancer Syndrome. Identifiers: Orphanet 140162, MedGen C0027672, MeSH D009386, MONDO:0015356.
Hereditary nonpolyposis colorectal neoplasms. Identifiers: MedGen C0009405, MeSH D003123.
Lynch syndrome. Identifiers: Orphanet 144, MedGen C4552100, MONDO:0005835. Disease mechanism: loss of function.

Allele frequency attached by ClinVar (database versions not stated): gnomAD 0.00001; TOPMed 0.00001.

Submissions (4):

Labcorp Genetics (formerly Invitae), Labcorp
Classification: Uncertain significance for Hereditary nonpolyposis colorectal neoplasms. Last evaluated: 2025-07-07. Review status: criteria provided, single submitter. Criteria: Invitae Variant Classification Sherloc (09022015). Collection method: clinical testing. Allele origin: germline.
Comment: This sequence change replaces aspartic acid, which is acidic and polar, with histidine, which is basic and polar, at codon 401 of the PMS2 protein (p.Asp401His). This variant is not present in population databases (gnomAD no frequency). This missense change has been observed in individual(s) with breast cancer (PMID: 35449176). ClinVar contains an entry for this variant (Variation ID: 581395). Invitae Evidence Modeling incorporating data from in vitro experimental studies (internal data) indicates that this missense variant is not expected to disrupt PMS2 function with a negative predictive value of 95%. In summary, the available evidence is currently insufficient to determine the role of this variant in disease. Therefore, it has been classified as a Variant of Uncertain Significance.

Ambry Genetics
Classification: Likely benign for Hereditary cancer-predisposing syndrome. Last evaluated: 2025-03-20. Review status: criteria provided, single submitter. Criteria: Ambry Variant Classification Scheme 2023. Collection method: clinical testing. Allele origin: germline.

Color Diagnostics, LLC DBA Color Health
Classification: Uncertain significance for Hereditary cancer-predisposing syndrome. Last evaluated: 2025-02-24. Review status: criteria provided, single submitter. Criteria: ACMG Guidelines, 2015. Collection method: clinical testing. Allele origin: germline.
Comment: This missense variant replaces aspartic acid with histidine at codon 401 of the PMS2 protein. Computational prediction suggests that this variant may not impact protein structure and function. To our knowledge, functional studies have not been reported for this variant. This variant has not been reported in individuals affected with PMS2-related disorders in the literature. This variant has not been identified in the general population by the Genome Aggregation Database (gnomAD). The available evidence is insufficient to determine the role of this variant in disease conclusively. Therefore, this variant is classified as a Variant of Uncertain Significance.

All of Us Research Program, National Institutes of Health
Classification: Uncertain significance for Lynch syndrome. Last evaluated: 2023-11-30. Review status: criteria provided, single submitter. Criteria: ACMG Guidelines, 2015. Collection method: clinical testing. Allele origin: germline. Inheritance: Autosomal dominant inheritance. Observed: 2 variant alleles, 2 heterozygotes.
Comment: This missense variant replaces aspartic acid with histidine at codon 401 of the PMS2 protein. Computational prediction suggests that this variant may not impact protein structure and function (internally defined REVEL score threshold <= 0.5, PMID: 27666373). To our knowledge, functional studies have not been reported for this variant. This variant has not been reported in individuals affected with PMS2-related disorders in the literature. This variant has not been identified in the general population by the Genome Aggregation Database (gnomAD). The available evidence is insufficient to determine the role of this variant in disease conclusively. Therefore, this variant is classified as a Variant of Uncertain Significance.

This study involves interpretation of variants in research participants for the purpose of population health screening. Participant phenotype was not available at the time of variant classification. Additional details can be found in publication PMID: 35346344, PMCID: PMC8962531

Literature cited by the submitters: PubMed 35449176 (cited by Labcorp Genetics (formerly Invitae), Labcorp).